The following is an entry in ClinVar:

ClinVar aggregate classification (germline): Uncertain significance (1 of 4 stars; one submission).

Conditions:
Brugada syndrome 5 (BRGDA5). Identifiers: Orphanet 130, Orphanet 871, MedGen C2748541, MONDO:0013015, OMIM 612838.

gnomAD v4.1: 3 of 1,614,100 alleles (0.00019%); highest among the groups gnomAD compares: African/African-American, 0.004%; no homozygotes.

Submission:

Labcorp Genetics (formerly Invitae), Labcorp
Classification: Uncertain significance for Brugada syndrome 5. Last evaluated: 2025-05-19. Review status: criteria provided, single submitter. Criteria: Invitae Variant Classification Sherloc (09022015). Collection method: clinical testing. Allele origin: germline.
Comment: The SCN1B gene has multiple clinically relevant transcripts. This variant occurs in alternate transcript NM_001037.5, and corresponds to NM_199037.4:c.*5041C>A in the primary transcript. This sequence change affects codon 157 of the SCN1B mRNA. It is a 'silent' change, meaning that it does not change the encoded amino acid sequence of the SCN1B protein. This variant is present in population databases (no rsID available, gnomAD 0.01%). This variant has not been reported in the literature in individuals affected with SCN1B-related conditions. Experimental studies and prediction algorithms are not available or were not evaluated, and the effect of this variant on mRNA splicing is currently unknown. In summary, the available evidence is currently insufficient to determine the role of this variant in disease. Therefore, it has been classified as a Variant of Uncertain Significance.

NM_001037.5(SCN1B):c.471C>A (p.Ile157=)

Gene: SCN1B (sodium voltage-gated channel beta subunit 1; plus strand). Cytogenetic location: 19q13.11.
Variant type: single nucleotide variant.
Coding change: c.471C>A on transcript NM_001037.5 (MANE Select); coding-DNA position 471, C replaced by A.
Protein change: p.Ile157=; no amino-acid change (isoleucine 157 retained).
Molecular consequence: synonymous variant.
Genome position (GRCh38, 1-based): chr19:35,039,139, C>A. VCF-style: chr19-35039139-C-A. GRCh37 (hg19) VCF-style: chr19-35530043-C-A.
Other names: c.372C>A, p.Ile124= (NM_001321605.2).
Identifiers: ClinVar variation 2074249 (VCV002074249.4), dbSNP rs765269835, ClinGen allele CA632754811.
Genomic context (GRCh38, chr19:35,039,139, plus strand): 5'-GCCTGGGCTACCCCCTTAACCCTGCCTGGCCCCTGCAGCCAACAGAGACATGGCATCCAT[C>A]GTGTCTGAGATCATGATGTATGTGCTCATTGTGGTGTTGACCATATGGCTCGTGGCAGAG-3'
Protein context (NP_001028.1, residues 147-167): VDKANRDMAS[Ile157=]VSEIMMYVLI